The following is an entry in ClinVar:

ClinVar aggregate classification (germline): Likely pathogenic (1 of 4 stars; one submission).

Conditions:
Alkaptonuria (AKU). Also called: HOMOGENTISIC ACID OXIDASE DEFICIENCY; Alcaptonuria; Homogentisic acidura; Alkaptonuric ochronosis. Identifiers: Orphanet 56, MedGen C0002066, MONDO:0008753, OMIM 203500.

Submission:

Labcorp Genetics (formerly Invitae), Labcorp
Classification: Likely pathogenic for Alkaptonuria. Last evaluated: 2025-08-03. Review status: criteria provided, single submitter. Criteria: Invitae Variant Classification Sherloc (09022015). Collection method: clinical testing. Allele origin: germline.
Comment: This sequence change affects a donor splice site in intron 4 of the HGD gene. It is expected to disrupt RNA splicing. Variants that disrupt the donor or acceptor splice site typically lead to a loss of protein function (PMID: 16199547), and loss-of-function variants in HGD are known to be pathogenic (PMID: 12501223, 19862842). This variant is not present in population databases (gnomAD no frequency). This variant has not been reported in the literature in individuals affected with HGD-related conditions. Algorithms developed to predict the effect of sequence changes on RNA splicing suggest that this variant may disrupt the consensus splice site. In summary, the currently available evidence indicates that the variant is pathogenic, but additional data are needed to prove that conclusively. Therefore, this variant has been classified as Likely Pathogenic.

Literature cited by the submitters: PubMed 16199547; PubMed 12501223; PubMed 19862842.

NM_000187.4(HGD):c.282+1G>A

Gene: HGD (homogentisate 1,2-dioxygenase; minus strand). Cytogenetic location: 3q13.33.
Variant type: single nucleotide variant.
Coding change: c.282+1G>A on transcript NM_000187.4 (MANE Select); the canonical splice donor site of the intron after coding-DNA position 282, G replaced by A.
Molecular consequence: splice donor variant.
Genome position (GRCh38, 1-based): chr3:120,670,426, C>T on the plus strand (G>A on the coding strand, the complement: HGD is on the minus strand). VCF-style: chr3-120670426-C-T. GRCh37 (hg19) VCF-style: chr3-120389273-C-T.
Identifiers: ClinVar variation 4699561 (VCV004699561.1).